The following is an entry in ClinVar:

ClinVar aggregate classification (germline): Likely benign (1 of 4 stars; one submission).

Allele frequency attached by ClinVar (database versions not stated): 1000 Genomes Project 30x 0.00234; 1000 Genomes Project 0.00280; TOPMed 0.00414; gnomAD 0.00447 and 0.00456; gnomAD exomes 0.00492.
gnomAD v4.1: 2,036 of 428,626 alleles (0.48%); highest among the groups gnomAD compares: Non-Finnish European, 0.69%; 7 homozygotes.

Submission:

CeGaT Center for Human Genetics Tuebingen
Classification: Likely benign. Last evaluated: 2022-12-01. Review status: criteria provided, single submitter. Criteria: CeGaT Center For Human Genetics Tuebingen Variant Classification Criteria Version 2. Collection method: clinical testing. Allele origin: germline. Affected: yes. Observed: 4 variant alleles.
Comment: PRPF31: BS1

NC_000019.10:g.54115619C>A

Genes: PRPF31 (pre-mRNA processing factor 31; plus strand), TFPT (TCF3 fusion partner; minus strand). Cytogenetic location: 19q13.42.
Variant type: single nucleotide variant.
Molecular consequence: 5 prime UTR variant (on NM_013342.4).
Genome position: GRCh38 VCF-style: chr19-54115619-C-A. GRCh37 (hg19) VCF-style: chr19-54618999-C-A.
Other names: c.-350G>T (NM_013342.4).
Identifiers: ClinVar variation 330087 (VCV000330087.34), dbSNP rs45619231, ClinGen allele CA309318693.
Genomic context (GRCh38, chr19:54,115,619, plus strand): 5'-CAGCGATTCTCTGCTTAGCAGGATCGGTCCACAGCGGGACGTGAGTCCCTTTCCTCCTCG[C>A]GGCTTACCGCCTCTCTCCGCCTAGTGCCAGGTGCTAATAAAGTTGTTGTTTCAAATGCGG-3'